The following is an entry in ClinVar:

NC_000012.11:g.(?_120270555)_(124242579_?)dup

Genes: COX6A1 (cytochrome c oxidase subunit 6A1; plus strand), RNF10 (ring finger protein 10; plus strand), VPS33A (VPS33A core subunit of CORVET and HOPS complexes; minus strand), SNRNP35 (small nuclear ribonucleoprotein U11/U12 subunit 35; plus strand), DDX55 (DEAD-box helicase 55; plus strand) and 70 more. Cytogenetic location: 12q24.23-24.31.
Variant type: Duplication.
Identifiers: ClinVar variation 3244258 (VCV003244258.1).

ClinVar aggregate classification (germline): Uncertain significance (1 of 4 stars; one submission).

Conditions:
Deficiency of butyryl-CoA dehydrogenase (ACADSD). Also called: ACYL-CoA DEHYDROGENASE, SHORT-CHAIN, DEFICIENCY OF; ACADS DEFICIENCY; SCADH DEFICIENCY; SCAD DEFICIENCY, MILD; SCAD Deficiency; Short-Chain Acyl-CoA Dehydrogenase Deficiency. Identifiers: Orphanet 26792, MedGen C0342783, MONDO:0008722, OMIM 201470. Disease mechanism: May be benign.

Submission:

Labcorp Genetics (formerly Invitae), Labcorp
Classification: Uncertain significance for Deficiency of butyryl-CoA dehydrogenase. Last evaluated: 2023-01-13. Review status: criteria provided, single submitter. Criteria: Invitae Variant Classification Sherloc (09022015). Collection method: clinical testing. Allele origin: unknown.
Comment: In summary, the available evidence is currently insufficient to determine the role of this variant in disease. Therefore, it has been classified as a Variant of Uncertain Significance. This variant has not been reported in the literature in individuals affected with ACADS-related conditions. A copy number gain of the genomic region encompassing the full coding sequence of the ACADS gene has been identified. The boundaries of this event are unknown as they extend beyond the assayed region for this gene and therefore may encompass additional genes. As the precise location of this event is unknown, it may be in tandem or it may be located elsewhere in the genome.